The following is an entry in ClinVar:

ClinVar aggregate classification (germline): Conflicting classifications of pathogenicity. Review status: criteria provided, conflicting classifications (1 of 4 stars). 5 submissions from 5 submitters: Uncertain significance (1); Benign (2); Likely benign (2). Last evaluated 2026-01-31.

Conditions:
ZFYVE26-related disorder. Also called: ZFYVE26-related condition.
Spastic paraplegia. Identifiers: MedGen C0037772, HP:0001258.
Hereditary spastic paraplegia 15 (SPG15). Also called: KJELLIN SYNDROME; SPASTIC PARAPLEGIA AND RETINAL DEGENERATION; SPASTIC PARAPLEGIA 15, AUTOSOMAL RECESSIVE. Identifiers: Orphanet 100996, MedGen C1849128, MONDO:0010044, OMIM 270700.

Allele frequency attached by ClinVar (database versions not stated): gnomAD exomes 0.00021 and 0.00086; gnomAD 0.00032 and 0.00046; TOPMed 0.00048; ExAC 0.00075; 1000 Genomes Project 30x 0.00328; 1000 Genomes Project 0.00359.
gnomAD v4.1: 386 of 1,614,176 alleles (0.024%); highest among the groups gnomAD compares: East Asian, 0.77%; 2 homozygotes.

Submissions (5):

Labcorp Genetics (formerly Invitae), Labcorp
Classification: Benign for Spastic paraplegia. Last evaluated: 2026-01-31. Review status: criteria provided, single submitter. Criteria: Invitae Variant Classification Sherloc (09022015). Collection method: clinical testing. Allele origin: germline.

PreventionGenetics, part of Exact Sciences
Classification: Benign for ZFYVE26-related condition. Last evaluated: 2025-10-21. Review status: criteria provided, single submitter. Criteria: ACMG Guidelines, 2015. Collection method: clinical testing. Allele origin: germline.
Comment: This variant is classified as benign based on ACMG/AMP sequence variant interpretation guidelines (Richards et al. 2015 PMID: 25741868, with internal and published modifications).

CeGaT Center for Human Genetics Tuebingen
Classification: Likely benign. Last evaluated: 2025-05-01. Review status: criteria provided, single submitter. Criteria: CeGaT Center For Human Genetics Tuebingen Variant Classification Criteria Version 2. Collection method: clinical testing. Allele origin: germline. Affected: yes. Observed: 1 variant allele.
Comment: ZFYVE26: BP4, BP7

Blueprint Genetics
Classification: Likely benign. Last evaluated: 2024-09-24. Review status: criteria provided, single submitter. Criteria: ACMG Guidelines, 2015. Collection method: clinical testing. Allele origin: germline.

Illumina Laboratory Services, Illumina
Classification: Uncertain significance for Hereditary spastic paraplegia 15. Last evaluated: 2018-01-13. Review status: criteria provided, single submitter. Criteria: ICSL Variant Classification Criteria 13 December 2019. Collection method: clinical testing. Allele origin: germline.

NM_015346.4(ZFYVE26):c.606G>C (p.Arg202=)

Gene: ZFYVE26 (zinc finger FYVE-type containing 26; minus strand). Cytogenetic location: 14q24.1.
Variant type: single nucleotide variant.
Coding change: c.606G>C on transcript NM_015346.4 (MANE Select); coding-DNA position 606, G replaced by C.
Protein change: p.Arg202=; no amino-acid change (arginine 202 retained).
Molecular consequence: synonymous variant.
Genome position (GRCh38, 1-based): chr14:67,807,678, C>G on the plus strand (G>C on the coding strand, the complement: ZFYVE26 is on the minus strand). VCF-style: chr14-67807678-C-G. GRCh37 (hg19) VCF-style: chr14-68274395-C-G.
Identifiers: ClinVar variation 698206 (VCV000698206.26), dbSNP rs187303187, ClinGen allele CA7240757.
Genomic context (GRCh38, chr14:67,807,678, plus strand): 5'-CAGGGCTCCATAGATGGCATCGACTACCCCAGGGGGCACCGAATCAGGGCCCTGCAAAGC[C>G]CGCAATGCCTTTCGAATGAGGTCCACCAGTGCATTCTGCAGAGGCCAGTGACAGAGGCCA-3'
Protein context (NP_056161.2, residues 192-212): ALVDLIRKAL[Arg202=]ALQGPDSVPP